The following is an entry in ClinVar:

NM_024989.4(PGAP1):c.1953G>A (p.Gly651=)

Gene: PGAP1 (post-GPI attachment to proteins inositol deacylase 1; minus strand). Cytogenetic location: 2q33.1.
Variant type: single nucleotide variant.
Coding change: c.1953G>A on transcript NM_024989.4 (MANE Select); coding-DNA position 1953, G replaced by A.
Protein change: p.Gly651=; no amino-acid change (glycine 651 retained).
Molecular consequence: synonymous variant.
Genome position (GRCh38, 1-based): chr2:196,847,200, C>T on the plus strand (G>A on the coding strand, the complement: PGAP1 is on the minus strand). VCF-style: chr2-196847200-C-T. GRCh37 (hg19) VCF-style: chr2-197711924-C-T.
Other names: c.1431G>A, p.Gly477= (NM_001321099.2); c.786G>A, p.Gly262= (NM_001321100.2).
Identifiers: ClinVar variation 850128 (VCV000850128.37), dbSNP rs148349860, ClinGen allele CA2040736.

ClinVar aggregate classification (germline): Conflicting classifications of pathogenicity. Review status: criteria provided, conflicting classifications (1 of 4 stars). 3 submissions from 3 submitters: Uncertain significance (1); Likely benign (2). Last evaluated 2025-01-28.

Conditions:
Inborn genetic diseases. Identifiers: MedGen C0950123, MeSH D030342.
Intellectual disability, autosomal recessive 42 (NEDDSBA). Also called: GLYCOSYLPHOSPHATIDYLINOSITOL BIOSYNTHESIS DEFECT 9; Neurodevelopmental disorder with dysmorphic features, spasticity, and brain abnormalities. Identifiers: Orphanet 88616, MedGen C4014343, MONDO:0014348, OMIM 615802.

Allele frequency attached by ClinVar (database versions not stated): ESP Exome Variant Server 0.00008; TOPMed 0.00010; ExAC 0.00016; gnomAD 0.00018 and 0.00019; 1000 Genomes Project 0.00020; gnomAD exomes 0.00022; 1000 Genomes Project 30x 0.00031.
gnomAD v4.1: 469 of 1,593,802 alleles (0.029%); highest among the groups gnomAD compares: Non-Finnish European, 0.037%; no homozygotes.

Submissions (3):

Labcorp Genetics (formerly Invitae), Labcorp
Classification: Uncertain significance for Intellectual disability, autosomal recessive 42. Last evaluated: 2025-01-28. Review status: criteria provided, single submitter. Criteria: Invitae Variant Classification Sherloc (09022015). Collection method: clinical testing. Allele origin: germline.
Comment: This sequence change affects codon 651 of the PGAP1 mRNA. It is a 'silent' change, meaning that it does not change the encoded amino acid sequence of the PGAP1 protein. It affects a nucleotide within the consensus splice site. This variant is present in population databases (rs148349860, gnomAD 0.04%). This variant has not been reported in the literature in individuals affected with PGAP1-related conditions. ClinVar contains an entry for this variant (Variation ID: 850128). Algorithms developed to predict the effect of sequence changes on RNA splicing suggest that this variant may disrupt the consensus splice site. In summary, the available evidence is currently insufficient to determine the role of this variant in disease. Therefore, it has been classified as a Variant of Uncertain Significance.

Ambry Genetics
Classification: Likely benign for Inborn genetic diseases. Last evaluated: 2024-08-02. Review status: criteria provided, single submitter. Criteria: Ambry Variant Classification Scheme 2023. Collection method: clinical testing. Allele origin: germline.

CeGaT Center for Human Genetics Tuebingen
Classification: Likely benign. Last evaluated: 2023-04-01. Review status: criteria provided, single submitter. Criteria: CeGaT Center For Human Genetics Tuebingen Variant Classification Criteria Version 2. Collection method: clinical testing. Allele origin: germline. Affected: yes. Observed: 2 variant alleles.
Comment: PGAP1: BP4, BP7